The following is an entry in ClinVar:

ClinVar aggregate classification (germline): Pathogenic (1 of 4 stars; one submission).

Conditions:
Cornelia de Lange syndrome 4 (CDLS4). Also called: RAD21-Related Cornelia de Lange Syndrome; CORNELIA DE LANGE SYNDROME 4 WITH OR WITHOUT MIDLINE BRAIN DEFECTS. Identifiers: Orphanet 199, MedGen C3553517, MONDO:0013864, OMIM 614701.

Submission:

Labcorp Genetics (formerly Invitae), Labcorp
Classification: Pathogenic for Cornelia de Lange syndrome 4. Last evaluated: 2019-04-18. Review status: criteria provided, single submitter. Criteria: Invitae Variant Classification Sherloc (09022015). Collection method: clinical testing. Allele origin: germline.
Comment: For these reasons, this variant has been classified as Pathogenic. Loss-of-function variants in RAD21 are known to be pathogenic (PMID: 22633399, 24378232, 27620904, 27882533). This variant has not been reported in the literature in individuals with RAD21-related conditions. This variant is not present in population databases (ExAC no frequency). This sequence change creates a premature translational stop signal (p.Gln156*) in the RAD21 gene. It is expected to result in an absent or disrupted protein product.

Literature cited by the submitters: PubMed 22633399; PubMed 24378232; PubMed 27620904; PubMed 27882533.

NM_006265.3(RAD21):c.466C>T (p.Gln156Ter)

Gene: RAD21 (RAD21 cohesin complex component; minus strand). Cytogenetic location: 8q24.11.
Variant type: single nucleotide variant.
Coding change: c.466C>T on transcript NM_006265.3 (MANE Select); coding-DNA position 466, C replaced by T.
Protein change: p.Gln156Ter; replaces glutamine 156 with a stop codon.
Molecular consequence: nonsense.
Genome position (GRCh38, 1-based): chr8:116,858,367, G>A on the plus strand (C>T on the coding strand, the complement: RAD21 is on the minus strand). VCF-style: chr8-116858367-G-A. GRCh37 (hg19) VCF-style: chr8-117870606-G-A.
Other names: short protein forms Q156*.
Identifiers: ClinVar variation 848764 (VCV000848764.8), dbSNP rs1812515682, ClinGen allele CA372007805.